The following is an entry in ClinVar:

ClinVar aggregate classification (germline): Likely pathogenic (1 of 4 stars; one submission).

Conditions:
Fanconi renotubular syndrome 2 (FRTS2). Identifiers: MedGen C3150652, MONDO:0013247, OMIM 613388.

Allele frequency attached by ClinVar (database versions not stated): ExAC 0.00002; gnomAD exomes 0.00001.

Submission:

Laboratory of Cyto-molecular Genetics, Department of Anatomy, All India Institute of Medical Sciences (AIIMS), New Delhi
Classification: Likely pathogenic for Fanconi renotubular syndrome 2. Last evaluated: 2022-03-07. Review status: criteria provided, single submitter. Criteria: ACMG Guidelines, 2015. Collection method: clinical testing. Allele origin: germline. Affected: yes. Observed: 3 variant alleles.
Comment: p.(Gly357Arg), missense variant

Literature cited by the submitters: PubMed 35738466.

NM_003052.5(SLC34A1):c.1069G>A (p.Gly357Arg)

Gene: SLC34A1 (solute carrier family 34 member 1; plus strand). Cytogenetic location: 5q35.3.
Variant type: single nucleotide variant.
Coding change: c.1069G>A on transcript NM_003052.5 (MANE Select); coding-DNA position 1069, G replaced by A.
Protein change: p.Gly357Arg; replaces glycine 357 with arginine.
Molecular consequence: missense variant.
Genome position (GRCh38, 1-based): chr5:177,394,090, G>A. VCF-style: chr5-177394090-G-A. GRCh37 (hg19) VCF-style: chr5-176821091-G-A.
Other names: short protein forms G357R.
Identifiers: ClinVar variation 1343085 (VCV001343085.3), dbSNP rs770557903, ClinGen allele CA3580638.